The following is an entry in ClinVar:

ClinVar aggregate classification (germline): Uncertain significance (1 of 4 stars; one submission).

Submission:

Labcorp Genetics (formerly Invitae), Labcorp
Classification: Uncertain significance. Last evaluated: 2022-07-30. Review status: criteria provided, single submitter. Criteria: Invitae Variant Classification Sherloc (09022015). Collection method: clinical testing. Allele origin: germline.
Comment: In summary, the available evidence is currently insufficient to determine the role of this variant in disease. Therefore, it has been classified as a Variant of Uncertain Significance. Algorithms developed to predict the effect of missense changes on protein structure and function output the following: SIFT: "Tolerated"; PolyPhen-2: "Benign"; Align-GVGD: "Class C0". The alanine amino acid residue is found in multiple mammalian species, which suggests that this missense change does not adversely affect protein function. This variant has not been reported in the literature in individuals affected with CD55-related conditions. This variant is not present in population databases (gnomAD no frequency). This sequence change replaces glutamic acid, which is acidic and polar, with alanine, which is neutral and non-polar, at codon 342 of the CD55 protein (p.Glu342Ala).

NM_000574.5(CD55):c.1025A>C (p.Glu342Ala)

Gene: CD55 (CD55 molecule (Cromer blood group); plus strand). Cytogenetic location: 1q32.2.
Variant type: single nucleotide variant.
Coding change: c.1025A>C on transcript NM_000574.5 (MANE Select); coding-DNA position 1025, A replaced by C.
Protein change: p.Glu342Ala; replaces glutamic acid 342 with alanine.
Molecular consequence: missense variant. On other transcripts: non-coding transcript variant (1).
Genome position (GRCh38, 1-based): chr1:207,337,374, A>C. VCF-style: chr1-207337374-A-C. GRCh37 (hg19) VCF-style: chr1-207510719-A-C.
Other names: c.1025A>C, p.Glu342Ala (NM_001114752.3, NM_001300902.2, NM_001300903.2 and 1 more transcripts); short protein forms E342A.
Identifiers: ClinVar variation 1714486 (VCV001714486.5), dbSNP rs2526990277, ClinGen allele CA344522418.
Genomic context (GRCh38, chr1:207,337,374, plus strand): 5'-CTGCTCATATTACAGCAACACGGAGTACACCTGTTTCCAGGACAACCAAGCATTTTCATG[A>C]AACAACCCCAAATAAAGGAAGTGGAACCACTTCAGGTCAGTTGACACTGTTCAGGTTTAC-3'
Protein context (NP_000565.1, residues 332-352): PVSRTTKHFH[Glu342Ala]TTPNKGSGTT